The following is an entry in ClinVar:

NM_031407.7(HUWE1):c.7672G>A (p.Gly2558Ser)

Gene: HUWE1 (HECT, UBA and WWE domain containing E3 ubiquitin protein ligase 1; minus strand). Cytogenetic location: Xp11.22.
Variant type: single nucleotide variant.
Coding change: c.7672G>A on transcript NM_031407.7 (MANE Select); coding-DNA position 7672, G replaced by A.
Protein change: p.Gly2558Ser; replaces glycine 2558 with serine.
Molecular consequence: missense variant.
Genome position (GRCh38, 1-based): chrX:53,560,252, C>T on the plus strand (G>A on the coding strand, the complement: HUWE1 is on the minus strand). VCF-style: chrX-53560252-C-T. GRCh37 (hg19) VCF-style: chrX-53587213-C-T.
Other names: short protein forms G2558S.
Identifiers: ClinVar variation 3362174 (VCV003362174.1).

ClinVar aggregate classification (germline): Uncertain significance (1 of 4 stars; one submission).

gnomAD v4.1: 8 of 1,207,343 alleles (0.00066%); highest among the groups gnomAD compares: Non-Finnish European, 0.00089%; no homozygotes.

Submission:

GeneDx
Classification: Uncertain significance. Last evaluated: 2023-05-31. Review status: criteria provided, single submitter. Criteria: GeneDx Variant Classification Process June 2021. Collection method: clinical testing. Allele origin: germline. Affected: yes.
Comment: Not observed at significant frequency in large population cohorts (gnomAD); In silico analysis supports that this missense variant does not alter protein structure/function; Has not been previously published as pathogenic or benign to our knowledge